The following is an entry in ClinVar:

ClinVar aggregate classification (germline): Uncertain significance (1 of 4 stars; one submission).

Conditions:
Developmental and epileptic encephalopathy, 12 (DEE12). Identifiers: MedGen C3150988, MONDO:0013389, OMIM 613722.

Allele frequency attached by ClinVar (database versions not stated): gnomAD 0.00001; gnomAD exomes 0.00002; ExAC 0.00004.
gnomAD v4.1: 13 of 1,601,950 alleles (0.00081%); highest among the groups gnomAD compares: East Asian, 0.0022%; no homozygotes.

Submission:

Labcorp Genetics (formerly Invitae), Labcorp
Classification: Uncertain significance for Developmental and epileptic encephalopathy, 12. Last evaluated: 2026-01-21. Review status: criteria provided, single submitter. Criteria: Invitae Variant Classification Sherloc (09022015). Collection method: clinical testing. Allele origin: germline.
Comment: This sequence change replaces alanine, which is neutral and non-polar, with threonine, which is neutral and polar, at codon 285 of the PLCB1 protein (p.Ala285Thr). This variant is present in population databases (rs776416226, gnomAD 0.01%). This variant has not been reported in the literature in individuals affected with PLCB1-related conditions. ClinVar contains an entry for this variant (Variation ID: 1044317). Invitae Evidence Modeling of protein sequence and biophysical properties (such as structural, functional, and spatial information, amino acid conservation, physicochemical variation, residue mobility, and thermodynamic stability) indicates that this missense variant is not expected to disrupt PLCB1 protein function with a negative predictive value of 80%. In summary, the available evidence is currently insufficient to determine the role of this variant in disease. Therefore, it has been classified as a Variant of Uncertain Significance.

NM_015192.4(PLCB1):c.853G>A (p.Ala285Thr)

Gene: PLCB1 (phospholipase C beta 1; plus strand). Cytogenetic location: 20p12.3.
Variant type: single nucleotide variant.
Coding change: c.853G>A on transcript NM_015192.4 (MANE Select); coding-DNA position 853, G replaced by A.
Protein change: p.Ala285Thr; replaces alanine 285 with threonine.
Molecular consequence: missense variant.
Genome position (GRCh38, 1-based): chr20:8,658,695, G>A. VCF-style: chr20-8658695-G-A. GRCh37 (hg19) VCF-style: chr20-8639342-G-A.
Other names: c.853G>A, p.Ala285Thr (NM_182734.3); short protein forms A285T.
Identifiers: ClinVar variation 1044317 (VCV001044317.6), dbSNP rs776416226, ClinGen allele CA9759828.
Genomic context (GRCh38, chr20:8,658,695, plus strand): 5'-CCTCTAAAACAAGAGCAAGTCCAAGTATTGATTGAGAAGTATGAACCCAACAACAGCCTC[G>A]CCAGAAAAGGTCAGTACTTTCTTTCACACCAAAGGGAAGCTCTTGTTTCTGATTGGGGGT-3'
Protein context (NP_056007.1, residues 275-295): IEKYEPNNSL[Ala285Thr]RKGQISVDGF